The following is an entry in ClinVar:

NM_001023.4(RPS20):c.225G>A (p.Lys75=)

Gene: RPS20 (ribosomal protein S20; minus strand). Cytogenetic location: 8q12.1.
Variant type: single nucleotide variant.
Coding change: c.225G>A on transcript NM_001023.4 (MANE Select); coding-DNA position 225, G replaced by A.
Protein change: p.Lys75=; no amino-acid change (lysine 75 retained).
Molecular consequence: synonymous variant.
Genome position (GRCh38, 1-based): chr8:56,073,225, C>T on the plus strand (G>A on the coding strand, the complement: RPS20 is on the minus strand). VCF-style: chr8-56073225-C-T. GRCh37 (hg19) VCF-style: chr8-56985784-C-T.
Other names: c.225G>A, p.Lys75= (NM_001146227.3).
Identifiers: ClinVar variation 1788586 (VCV001788586.8), dbSNP rs2486982047, ClinGen allele CA460824058.

ClinVar aggregate classification (germline): Benign/Likely benign. Review status: criteria provided, multiple submitters, no conflicts (2 of 4 stars). 3 submissions from 3 submitters: Benign (1); Likely benign (2). Last evaluated 2026-08-03.

Conditions:
Familial colorectal cancer type X. Identifiers: Orphanet 440437, MedGen C3896578, MONDO:0018604.

Allele frequency attached by ClinVar (database versions not stated): gnomAD exomes below 0.00001.
gnomAD v4.1: 1 of 1,606,662 alleles (0.000062%); highest among the groups gnomAD compares: Non-Finnish European, 0.000085%; no homozygotes.

Submissions (3):

Myriad Genetics, Inc.
Classification: Benign for Familial colorectal cancer type X. Last evaluated: 2026-08-03. Review status: criteria provided, single submitter. Criteria: Myriad Autosomal Dominant, Autosomal Recessive and X-Linked Classification Criteria (2023). Collection method: clinical testing. Allele origin: unknown.
Comment: This variant is considered benign. This variant is a silent/synonymous amino acid change and it is not expected to impact splicing.

Labcorp Genetics (formerly Invitae), Labcorp
Classification: Likely benign. Last evaluated: 2023-11-13. Review status: criteria provided, single submitter. Criteria: Invitae Variant Classification Sherloc (09022015). Collection method: clinical testing. Allele origin: germline.

Ambry Genetics
Classification: Likely benign. Last evaluated: 2022-07-01. Review status: criteria provided, single submitter. Criteria: Ambry Variant Classification Scheme 2023. Collection method: clinical testing. Allele origin: germline.